The following is an entry in ClinVar:

NM_001440.4(EXTL3):c.2467G>A (p.Asp823Asn)

Gene: EXTL3 (exostosin like glycosyltransferase 3; plus strand). Cytogenetic location: 8p21.1.
Variant type: single nucleotide variant.
Coding change: c.2467G>A on transcript NM_001440.4 (MANE Select); coding-DNA position 2467, G replaced by A.
Protein change: p.Asp823Asn; replaces aspartic acid 823 with asparagine.
Molecular consequence: missense variant. On other transcripts: non-coding transcript variant (1).
Genome position (GRCh38, 1-based): chr8:28,743,131, G>A. VCF-style: chr8-28743131-G-A. GRCh37 (hg19) VCF-style: chr8-28600648-G-A.
Other names: short protein forms D823N.
Identifiers: ClinVar variation 2841945 (VCV002841945.3), dbSNP rs2486734961, ClinGen allele CA370849641.

ClinVar aggregate classification (germline): Uncertain significance (1 of 4 stars; one submission).

Submission:

Labcorp Genetics (formerly Invitae), Labcorp
Classification: Uncertain significance. Last evaluated: 2023-03-01. Review status: criteria provided, single submitter. Criteria: Invitae Variant Classification Sherloc (09022015). Collection method: clinical testing. Allele origin: germline.
Comment: Advanced modeling of protein sequence and biophysical properties (such as structural, functional, and spatial information, amino acid conservation, physicochemical variation, residue mobility, and thermodynamic stability) performed at Invitae indicates that this missense variant is not expected to disrupt EXTL3 protein function. This variant has not been reported in the literature in individuals affected with EXTL3-related conditions. This variant is not present in population databases (gnomAD no frequency). This sequence change replaces aspartic acid, which is acidic and polar, with asparagine, which is neutral and polar, at codon 823 of the EXTL3 protein (p.Asp823Asn). In summary, the available evidence is currently insufficient to determine the role of this variant in disease. Therefore, it has been classified as a Variant of Uncertain Significance.